The following is an entry in ClinVar:

NM_152542.5(PPM1K):c.595A>G (p.Ile199Val)

Gene: PPM1K (protein phosphatase, Mg2+/Mn2+ dependent 1K; minus strand). Cytogenetic location: 4q22.1.
Variant type: single nucleotide variant.
Coding change: c.595A>G on transcript NM_152542.5 (MANE Select); coding-DNA position 595, A replaced by G.
Protein change: p.Ile199Val; replaces isoleucine 199 with valine.
Molecular consequence: missense variant.
Genome position (GRCh38, 1-based): chr4:88,268,853, T>C on the plus strand (A>G on the coding strand, the complement: PPM1K is on the minus strand). VCF-style: chr4-88268853-T-C. GRCh37 (hg19) VCF-style: chr4-89190005-T-C.
Other names: short protein forms I199V.
Identifiers: ClinVar variation 1470917 (VCV001470917.8), dbSNP rs1427854407, ClinGen allele CA357706578.

ClinVar aggregate classification (germline): Uncertain significance (1 of 4 stars; one submission).

Conditions:
Maple syrup urine disease, mild variant (MSUDMV). Identifiers: Orphanet 511, MedGen C3554575, MONDO:0014057, OMIM 615135.

Allele frequency attached by ClinVar (database versions not stated): gnomAD exomes below 0.00001.

Submission:

Labcorp Genetics (formerly Invitae), Labcorp
Classification: Uncertain significance for Maple syrup urine disease, mild variant. Last evaluated: 2025-07-10. Review status: criteria provided, single submitter. Criteria: Invitae Variant Classification Sherloc (09022015). Collection method: clinical testing. Allele origin: germline.
Comment: This sequence change replaces isoleucine, which is neutral and non-polar, with valine, which is neutral and non-polar, at codon 199 of the PPM1K protein (p.Ile199Val). This variant is present in population databases (no rsID available, gnomAD 0.0009%). This variant has not been reported in the literature in individuals affected with PPM1K-related conditions. ClinVar contains an entry for this variant (Variation ID: 1470917). An algorithm developed to predict the effect of missense changes on protein structure and function outputs the following: PolyPhen-2: "Benign". The valine amino acid residue is found in multiple mammalian species, which suggests that this missense change does not adversely affect protein function. In summary, the available evidence is currently insufficient to determine the role of this variant in disease. Therefore, it has been classified as a Variant of Uncertain Significance.